The following is an entry in ClinVar:

NM_004448.4(ERBB2):c.2493+6C>T

Gene: ERBB2 (erb-b2 receptor tyrosine kinase 2; plus strand). Cytogenetic location: 17q12.
Variant type: single nucleotide variant.
Coding change: c.2493+6C>T on transcript NM_004448.4 (MANE Select); 6 bases into the intron after coding-DNA position 2493, C replaced by T.
Molecular consequence: intron variant.
Genome position (GRCh38, 1-based): chr17:39,724,917, C>T. VCF-style: chr17-39724917-C-T. GRCh37 (hg19) VCF-style: chr17-37881170-C-T.
Other names: c.2403+6C>T (NM_001382782.1, NM_001005862.3, NM_001382783.1); c.2448+6C>T (NM_001289936.2); c.2568+6C>T (NM_001382787.1); c.2610+6C>T (NM_001382784.1); c.2574+6C>T (NM_001382786.1); c.2514+6C>T (NM_001382789.1); c.2523+6C>T (NM_001382788.1); c.2595+6C>T (NM_001382785.1); and 13 more.
Identifiers: ClinVar variation 1437835 (VCV001437835.6), dbSNP rs749965659, ClinGen allele CA8534306.

ClinVar aggregate classification (germline): Uncertain significance (1 of 4 stars; one submission).

Allele frequency attached by ClinVar (database versions not stated): gnomAD exomes 0.00001 and 0.00002; ExAC 0.00002.
gnomAD v4.1: 14 of 1,612,912 alleles (0.00087%); highest among the groups gnomAD compares: South Asian, 0.014%; 1 homozygote.

Submission:

Labcorp Genetics (formerly Invitae), Labcorp
Classification: Uncertain significance. Last evaluated: 2024-04-23. Review status: criteria provided, single submitter. Criteria: Invitae Variant Classification Sherloc (09022015). Collection method: clinical testing. Allele origin: germline.
Comment: This sequence change falls in intron 20 of the ERBB2 gene. It does not directly change the encoded amino acid sequence of the ERBB2 protein. It affects a nucleotide within the consensus splice site. This variant is present in population databases (rs749965659, gnomAD 0.02%). This variant has not been reported in the literature in individuals affected with ERBB2-related conditions. ClinVar contains an entry for this variant (Variation ID: 1437835). Variants that disrupt the consensus splice site are a relatively common cause of aberrant splicing (PMID: 17576681, 9536098). Algorithms developed to predict the effect of sequence changes on RNA splicing suggest that this variant is not likely to affect RNA splicing. In summary, the available evidence is currently insufficient to determine the role of this variant in disease. Therefore, it has been classified as a Variant of Uncertain Significance.

Literature cited by the submitters: PubMed 17576681; PubMed 9536098.